The following is an entry in ClinVar:

NM_025179.4(PLXNA2):c.1736G>A (p.Ser579Asn)

Gene: PLXNA2 (plexin A2; minus strand). Cytogenetic location: 1q32.2.
Variant type: single nucleotide variant.
Coding change: c.1736G>A on transcript NM_025179.4 (MANE Select); coding-DNA position 1736, G replaced by A.
Protein change: p.Ser579Asn; replaces serine 579 with asparagine.
Molecular consequence: missense variant.
Genome position (GRCh38, 1-based): chr1:208,096,879, C>T on the plus strand (G>A on the coding strand, the complement: PLXNA2 is on the minus strand). VCF-style: chr1-208096879-C-T. GRCh37 (hg19) VCF-style: chr1-208270224-C-T.
Other names: short protein forms S579N.
Identifiers: ClinVar variation 4569759 (VCV004569759.2).
Genomic context (GRCh38, chr1:208,096,879, plus strand): 5'-AGGTTCCCAAAGGCACAGGCGATACCCGCAGATAGATCAGGAGCATCACTCACTACCAGG[C>T]TAAGCTGTGGGAGGAGCAAAGAGATGATGCCAAAGAAATGCCTCAGGAGACCTGGACTCC-3'
Protein context (NP_079455.3, residues 569-589): ISVSEHSRLL[Ser579Asn]LVVSDAPDLS

ClinVar aggregate classification (germline): Uncertain significance. Review status: criteria provided, multiple submitters, no conflicts (2 of 4 stars). 2 submissions from 2 submitters: Uncertain significance (2). Last evaluated 2026-01-05.

Conditions:
PLXNA2-related disorder. Also called: PLXNA2-related condition.

gnomAD v4.1: 8 of 1,613,164 alleles (0.0005%); highest among the groups gnomAD compares: Non-Finnish European, 0.00068%; no homozygotes.

Submissions (2):

PreventionGenetics, part of Exact Sciences
Classification: Uncertain significance for PLXNA2-related condition. Last evaluated: 2026-01-05. Review status: criteria provided, single submitter. Criteria: ACMG Guidelines, 2015. Collection method: clinical testing. Allele origin: germline.
Comment: The PLXNA2 c.1736G>A variant is predicted to result in the amino acid substitution p.Ser579Asn. To our knowledge, this variant has not been reported in the literature. This variant is reported in 0.00089% of alleles in individuals of European (Non-Finnish) descent in gnomAD. At this time, the clinical significance of this variant is uncertain due to the absence of conclusive functional and genetic evidence.

Ambry Genetics
Classification: Uncertain significance. Last evaluated: 2025-12-02. Review status: criteria provided, single submitter. Criteria: Ambry Variant Classification Scheme 2023. Collection method: clinical testing. Allele origin: germline.